The following is an entry in ClinVar:

NM_006767.4(LZTR1):c.1578G>C (p.Gln526His)

Gene: LZTR1 (leucine zipper like post translational regulator 1; plus strand). Cytogenetic location: 22q11.21.
Variant type: single nucleotide variant.
Coding change: c.1578G>C on transcript NM_006767.4 (MANE Select); coding-DNA position 1578, G replaced by C.
Protein change: p.Gln526His; replaces glutamine 526 with histidine.
Molecular consequence: missense variant.
Genome position (GRCh38, 1-based): chr22:20,994,232, G>C. VCF-style: chr22-20994232-G-C. GRCh37 (hg19) VCF-style: chr22-21348521-G-C.
Other names: short protein forms Q526H.
Identifiers: ClinVar variation 4745532 (VCV004745532.1).

ClinVar aggregate classification (germline): Uncertain significance (1 of 4 stars; one submission).

Submission:

Labcorp Genetics (formerly Invitae), Labcorp
Classification: Uncertain significance. Last evaluated: 2026-01-26. Review status: criteria provided, single submitter. Criteria: Invitae Variant Classification Sherloc (09022015). Collection method: clinical testing. Allele origin: germline.
Comment: This sequence change replaces glutamine, which is neutral and polar, with histidine, which is basic and polar, at codon 526 of the LZTR1 protein (p.Gln526His). This variant is not present in population databases (gnomAD no frequency). This variant has not been reported in the literature in individuals affected with LZTR1-related conditions. Invitae Evidence Modeling of protein sequence and biophysical properties (such as structural, functional, and spatial information, amino acid conservation, physicochemical variation, residue mobility, and thermodynamic stability) indicates that this missense variant is not expected to disrupt LZTR1 protein function with a negative predictive value of 80%. In summary, the available evidence is currently insufficient to determine the role of this variant in disease. Therefore, it has been classified as a Variant of Uncertain Significance.